The following is an entry in ClinVar:

ClinVar aggregate classification (germline): Benign/Likely benign. Review status: criteria provided, multiple submitters, no conflicts (2 of 4 stars). 14 submissions from 14 submitters: Benign (10); Likely benign (1). 3 of the submissions do not count toward it. Last evaluated 2026-02-04.

Conditions:
Heterotopia, periventricular, X-linked dominant (PVNH1). Also called: PERIVENTRICULAR NODULAR HETEROTOPIA 1; X-linked periventricular heterotopia; PERIVENTRICULAR NODULAR HETEROTOPIA 4; HETEROTOPIA, PERIVENTRICULAR, 1. Identifiers: Orphanet 2149, Orphanet 82004, MedGen C1848213, MONDO:0010233, OMIM 300049.
Frontometaphyseal dysplasia (FMD1). Identifiers: Orphanet 1826, MedGen C0265293, MONDO:0015942.
Melnick-Needles syndrome (MNS). Also called: Melnick-Needles Syndrome (FLNA-MNS); MELNICK-NEEDLES OSTEODYSPLASTY; OSTEODYSPLASTY OF MELNICK AND NEEDLES. Identifiers: Orphanet 2484, MedGen C0025237, MONDO:0010650, OMIM 309350.
Oto-palato-digital syndrome, type II (OPD2). Also called: Otopalatodigital Syndrome Type 2 (FLNA-OPD2); FACIOPALATOOSSEOUS SYNDROME; OPD II SYNDROME; Otopalatodigital Syndrome, Type II. Identifiers: Orphanet 669, Orphanet 90652, MedGen C1844696, MONDO:0010571, OMIM 304120.
Familial thoracic aortic aneurysm and aortic dissection (TAAD). Also called: Thoracic aortic aneurysms and dissections. Identifiers: Orphanet 91387, MedGen C4707243, MONDO:0019625.

Allele frequency attached by ClinVar (database versions not stated): gnomAD exomes 0.00790 and 0.02111; ExAC 0.02756; gnomAD 0.07590 and 0.08115; 1000 Genomes Project 0.08291; 1000 Genomes Project 30x 0.08491; TOPMed 0.08767; ESP Exome Variant Server 0.08844.
gnomAD v4.1: 17,630 of 1,208,249 alleles (1.5%); highest among the groups gnomAD compares: African/African-American, 27%; 1,634 homozygotes.

Submissions (14):

Labcorp Genetics (formerly Invitae), Labcorp
Classification: Benign for Oto-palato-digital syndrome, type II; Heterotopia, periventricular, X-linked dominant; Frontometaphyseal dysplasia; Melnick-Needles syndrome. Last evaluated: 2026-02-04. Review status: criteria provided, single submitter. Criteria: Invitae Variant Classification Sherloc (09022015). Collection method: clinical testing. Allele origin: germline.

Molecular Diagnostic Laboratory for Inherited Cardiovascular Disease, Montreal Heart Institute
Classification: Benign. Last evaluated: 2025-04-09. Review status: criteria provided, single submitter. Criteria: ACMG Guidelines, 2015. Collection method: clinical testing. Allele origin: germline. Affected: no.

Blueprint Genetics
Classification: Likely benign. Last evaluated: 2024-11-27. Review status: criteria provided, single submitter. Criteria: ACMG Guidelines, 2015. Collection method: clinical testing. Allele origin: germline.

Women's Health and Genetics/Laboratory Corporation of America, LabCorp
Classification: Benign. Last evaluated: 2023-07-21. Review status: criteria provided, single submitter. Criteria: LabCorp Variant Classification Summary - May 2015. Collection method: clinical testing. Allele origin: germline.

Mayo Clinic Laboratories, Mayo Clinic
Classification: Benign. Last evaluated: 2023-07-01. Review status: criteria provided, single submitter. Criteria: ACMG Guidelines, 2015. Collection method: clinical testing. Allele origin: germline. Observed: 223 variant alleles.

Ambry Genetics
Classification: Benign for Familial thoracic aortic aneurysm and aortic dissection. Last evaluated: 2016-07-27. Review status: criteria provided, single submitter. Criteria: Ambry Variant Classification Scheme 2023. Collection method: clinical testing. Allele origin: germline.

GeneDx
Classification: Benign. Last evaluated: 2014-05-17. Review status: criteria provided, single submitter. Criteria: GeneDx Variant Classification (06012015). Collection method: clinical testing. Allele origin: germline. Affected: yes.
Comment: This variant is considered likely benign or benign based on one or more of the following criteria: it is a conservative change, it occurs at a poorly conserved position in the protein, it is predicted to be benign by multiple in silico algorithms, and/or has population frequency not consistent with disease.

Eurofins Ntd Llc (ga)
Classification: Benign. Last evaluated: 2012-09-07. Review status: criteria provided, single submitter. Criteria: EGL Classification Definitions 2015. Collection method: clinical testing. Allele origin: germline. Observed: 3 variant alleles, 3 heterozygotes.

Claritas Genomics
Classification: Benign. Last evaluated: 2012-04-30. Review status: criteria provided, single submitter. Criteria: ACMG Guidelines, 2007. Collection method: clinical testing. Allele origin: germline. Inheritance: X-linked inheritance.

Breakthrough Genomics
Classification: Benign. Review status: criteria provided, single submitter. Criteria: ACMG Guidelines, 2015. Collection method: not provided. Allele origin: germline. Inheritance: X-linked inheritance. Affected: yes.

PreventionGenetics, part of Exact Sciences
Classification: Benign. Review status: criteria provided, single submitter. Criteria: ACMG Guidelines, 2015. Collection method: clinical testing. Allele origin: germline.

Clinical Genetics DNA and cytogenetics Diagnostics Lab, Erasmus MC, Erasmus Medical Center
Classification: Benign. Review status: no assertion criteria provided. Collection method: clinical testing. Allele origin: germline. Affected: yes. Study: VKGL Data-share Consensus. Not counted in ClinVar's aggregate classification.

Genetic Services Laboratory, University of Chicago
Classification: Likely benign for AllHighlyPenetrant. Review status: no assertion criteria provided. Collection method: clinical testing. Allele origin: germline. Inheritance: X-linked inheritance. Not counted in ClinVar's aggregate classification.
Comment: Likely benign based on allele frequency in 1000 Genomes Project or ESP global frequency and its presence in a patient with a rare or unrelated disease phenotype. NOT Sanger confirmed.

Genome Diagnostics Laboratory, Amsterdam University Medical Center
Classification: Benign. Review status: no assertion criteria provided. Collection method: clinical testing. Allele origin: germline. Affected: yes. Study: VKGL Data-share Consensus. Not counted in ClinVar's aggregate classification.

NM_001110556.2(FLNA):c.4920G>A (p.Gly1640=)

Gene: FLNA (filamin A; minus strand). Cytogenetic location: Xq28.
Variant type: single nucleotide variant.
Coding change: c.4920G>A on transcript NM_001110556.2 (MANE Select); coding-DNA position 4920, G replaced by A.
Protein change: p.Gly1640=; no amino-acid change (glycine 1640 retained).
Molecular consequence: synonymous variant.
Genome position (GRCh38, 1-based): chrX:154,357,459, C>T on the plus strand (G>A on the coding strand, the complement: FLNA is on the minus strand). VCF-style: chrX-154357459-C-T. GRCh37 (hg19) VCF-style: chrX-153585827-C-T.
Other names: p.G1640G:GGG>GGA; p.Gly1640=; c.4920G>A, p.Gly1640= (NM_001456.4).
Identifiers: ClinVar variation 93763 (VCV000093763.31), dbSNP rs61741041, ClinGen allele CA285483.
Genomic context (GRCh38, chrX:154,357,459, plus strand): 5'-CGAGCGCCGCAGCGGCCAACAGCGGGCGGGCTCACCTGTGACAGTGCACTTGCTGGCGTC[C>T]CCGGTGGGCACGGCACGCACGCGGTACGGGGAGAAGGGGATCTCGTCACCACCGTACTTG-3'
Protein context (NP_001104026.1, residues 1630-1650): SPYRVRAVPT[Gly1640=]DASKCTVTVS